The following is an entry in ClinVar:

NM_004752.4(GCM2):c.408C>A (p.Tyr136Ter)

Gene: GCM2 (GCM transcription factor 2; minus strand). Cytogenetic location: 6p24.2.
Variant type: single nucleotide variant.
Coding change: c.408C>A on transcript NM_004752.4 (MANE Select); coding-DNA position 408, C replaced by A.
Protein change: p.Tyr136Ter; replaces tyrosine 136 with a stop codon.
Molecular consequence: nonsense.
Genome position (GRCh38, 1-based): chr6:10,876,493, G>T on the plus strand (C>A on the coding strand, the complement: GCM2 is on the minus strand). VCF-style: chr6-10876493-G-T. GRCh37 (hg19) VCF-style: chr6-10876726-G-T.
Other names: short protein forms Y136*.
Identifiers: ClinVar variation 433164 (VCV000433164.8), dbSNP rs1554103179, ClinGen allele CA362724360.

ClinVar aggregate classification (germline): Pathogenic. Review status: criteria provided, multiple submitters, no conflicts (2 of 4 stars). 4 submissions from 4 submitters: Pathogenic (4). Last evaluated 2025-09-17.

Conditions:
Hypoparathyroidism, familial isolated, 2. Identifiers: MedGen C5394383, MONDO:0020798, OMIM 618883.
Familial hypoparathyroidism. Also called: Familial isolated hypoparathyroidism. Identifiers: Orphanet 2238, MedGen C1832648, MONDO:0016390.

Submissions (4):

3billion
Classification: Pathogenic for Hypoparathyroidism, familial isolated, 2. Last evaluated: 2025-09-17. Review status: criteria provided, single submitter. Criteria: ACMG Guidelines, 2015. Collection method: clinical testing. Allele origin: germline. Affected: yes.
Comment: The variant is not observed in the gnomAD v4.1.0 dataset. Predicted Consequence/Location: Stop-gained (nonsense): predicted to result in a loss or disruption of normal protein function through nonsense-mediated decay (NMD) or protein truncation. Multiple pathogenic variants are reported downstream of the variant. The variant has been reported at least twice as pathogenic with clinical assertions and evidence for the classification (ClinVar ID: VCV000433164 /PMID: 23155703). Therefore, this variant is classified as Pathogenic according to the recommendation of ACMG/AMP guideline.

GeneDx
Classification: Pathogenic. Last evaluated: 2024-11-21. Review status: criteria provided, single submitter. Criteria: GeneDx Variant Classification Process June 2021. Collection method: clinical testing. Allele origin: germline. Affected: yes.
Comment: Nonsense variant predicted to result in protein truncation or nonsense mediated decay in a gene for which loss of function is a known mechanism of disease; Published functional studies demonstrate a damaging effect through lack of protein expression (PMID: 23155703); Not observed at significant frequency in large population cohorts (gnomAD); This variant is associated with the following publications: (PMID: 23155703)

Labcorp Genetics (formerly Invitae), Labcorp
Classification: Pathogenic. Last evaluated: 2023-06-21. Review status: criteria provided, single submitter. Criteria: Invitae Variant Classification Sherloc (09022015). Collection method: clinical testing. Allele origin: germline.
Comment: For these reasons, this variant has been classified as Pathogenic. ClinVar contains an entry for this variant (Variation ID: 433164). This premature translational stop signal has been observed in individual(s) with congenital hypoparathyroidism (PMID: 23155703). It has also been observed to segregate with disease in related individuals. This variant is not present in population databases (gnomAD no frequency). This sequence change creates a premature translational stop signal (p.Tyr136*) in the GCM2 gene. It is expected to result in an absent or disrupted protein product. Loss-of-function variants in GCM2 are known to be pathogenic (PMID: 20190276, 23155703).

Molecular Diagnostics Lab, Nemours Children's Health, Delaware
Classification: Pathogenic for Hypoparathyroidism, familial isolated 1. Last evaluated: 2016-01-04. Review status: criteria provided, single submitter. Criteria: ACMG Guidelines, 2015. Collection method: clinical testing. Allele origin: inherited. Affected: yes. Observed: 2 homozygotes. Clinical features observed: familial isolated hypoparathyroidism.

Literature cited by the submitters: PubMed 23155703 (cited by 3 submitters); PubMed 20190276 (cited by Labcorp Genetics (formerly Invitae), Labcorp).